The following is an entry in ClinVar:

ClinVar aggregate classification (germline): Uncertain significance. Review status: criteria provided, multiple submitters, no conflicts (2 of 4 stars). 2 submissions from 2 submitters: Uncertain significance (2). Last evaluated 2026-07-06.

Conditions:
Gorlin syndrome. Also called: Nevoid Basal Cell Carcinoma Syndrome; Basal cell nevus syndrome. Identifiers: Orphanet 377, MedGen C0004779, MONDO:0007187.
Medulloblastoma (MDB). Also called: MEDULLOBLASTOMA PREDISPOSITION SYNDROME; Medulloblastoma, somatic. Identifiers: Orphanet 616, MedGen C0025149, MeSH D008527, MONDO:0007959, OMIM 155255, HP:0002885.
Hereditary cancer-predisposing syndrome. Also called: Neoplastic Syndromes, Hereditary; Hereditary Cancer Syndrome; Hereditary neoplastic syndrome; Tumor predisposition. Identifiers: Orphanet 140162, MedGen C0027672, MeSH D009386, MONDO:0015356.

Allele frequency attached by ClinVar (database versions not stated): ExAC 0.00008; gnomAD exomes below 0.00001.
gnomAD v4.1: 1 of 1,543,492 alleles (0.000065%); highest among the groups gnomAD compares: Non-Finnish European, 0.000087%; no homozygotes.

Submissions (2):

Ambry Genetics
Classification: Uncertain significance for Hereditary cancer-predisposing syndrome. Last evaluated: 2026-07-06. Review status: criteria provided, single submitter. Criteria: Ambry Variant Classification Scheme 2023. Collection method: clinical testing. Allele origin: germline.
Comment: The p.E3G variant (also known as c.8A>G), located in coding exon 1 of the SUFU gene, results from an A to G substitution at nucleotide position 8. The glutamic acid at codon 3 is replaced by glycine, an amino acid with similar properties. This amino acid position is conserved. In addition, this alteration is predicted to be tolerated by in silico analysis. Based on the available evidence, the clinical significance of this variant remains unclear.

Labcorp Genetics (formerly Invitae), Labcorp
Classification: Uncertain significance for Gorlin syndrome; Medulloblastoma. Last evaluated: 2018-04-20. Review status: criteria provided, single submitter. Criteria: Invitae Variant Classification Sherloc (09022015). Collection method: clinical testing. Allele origin: germline.
Comment: This sequence change replaces glutamic acid with glycine at codon 3 of the SUFU protein (p.Glu3Gly). The glutamic acid residue is highly conserved and there is a moderate physicochemical difference between glutamic acid and glycine. In summary, the available evidence is currently insufficient to determine the role of this variant in disease. Therefore, it has been classified as a Variant of Uncertain Significance. Algorithms developed to predict the effect of missense changes on protein structure and function (SIFT, PolyPhen-2, Align-GVGD) all suggest that this variant is likely to be tolerated, but these predictions have not been confirmed by published functional studies and their clinical significance is uncertain. This variant has not been reported in the literature in individuals with SUFU-related disease. While this variant is present in population databases (rs757097388), the frequency information is unreliable, as metrics indicate poor data quality at this position in the ExAC database.

NM_016169.4(SUFU):c.8A>G (p.Glu3Gly)

Genes: SUFU (SUFU negative regulator of hedgehog signaling; plus strand), LOC130004614 (ATAC-STARR-seq lymphoblastoid silent region 2764; plus strand). Cytogenetic location: 10q24.32.
Variant type: single nucleotide variant.
Coding change: c.8A>G on transcript NM_016169.4 (MANE Select); coding-DNA position 8, A replaced by G.
Protein change: p.Glu3Gly; replaces glutamic acid 3 with glycine.
Molecular consequence: missense variant.
Genome position (GRCh38, 1-based): chr10:102,504,160, A>G. VCF-style: chr10-102504160-A-G. GRCh37 (hg19) VCF-style: chr10-104263917-A-G.
Other names: c.8A>G, p.Glu3Gly (NM_001178133.2); short protein forms E3G.
Identifiers: ClinVar variation 573218 (VCV000573218.10), dbSNP rs757097388, ClinGen allele CA5667574.
Genomic context (GRCh38, chr10:102,504,160, plus strand): 5'-CTCCCCGTCGTTTGCCCTCTCCAGTTCCCCCAGTGCCTGCCCTACGCACCCCGATGGCGG[A>G]GCTGCGGCCTAGCGGCGCCCCCGGCCCCACCGCGCCCCCGGCCCCTGGCCCGACTGCCCC-3'
Protein context (NP_057253.2, residues 1-13): MA[Glu3Gly]LRPSGAPGPT